The following is an entry in ClinVar:

NM_032271.3(TRAF7):c.727C>G (p.Leu243Val)

Gene: TRAF7 (TNF receptor associated factor 7; plus strand). Cytogenetic location: 16p13.3.
Variant type: single nucleotide variant.
Coding change: c.727C>G on transcript NM_032271.3 (MANE Select); coding-DNA position 727, C replaced by G.
Protein change: p.Leu243Val; replaces leucine 243 with valine.
Molecular consequence: missense variant.
Genome position (GRCh38, 1-based): chr16:2,172,532, C>G. VCF-style: chr16-2172532-C-G. GRCh37 (hg19) VCF-style: chr16-2222533-C-G.
Other names: short protein forms L243V.
Identifiers: ClinVar variation 3047155 (VCV003047155.4), dbSNP rs750793648, ClinGen allele CA7834702.

ClinVar aggregate classification (germline): Likely benign. Review status: criteria provided, single submitter (1 of 4 stars). 2 submissions from 2 submitters: Likely benign (1). 1 of the submissions does not count toward it. Last evaluated 2026-06-01.

Conditions:
TRAF7-related disorder. Also called: TRAF7-related condition.

Allele frequency attached by ClinVar (database versions not stated): gnomAD exomes 0.00006; gnomAD 0.00008; TOPMed 0.00014; ExAC 0.00044.
gnomAD v4.1: 98 of 1,589,568 alleles (0.0062%); highest among the groups gnomAD compares: Admixed American, 0.17%; no homozygotes.

Submissions (2):

CeGaT Center for Human Genetics Tuebingen
Classification: Likely benign. Last evaluated: 2026-06-01. Review status: criteria provided, single submitter. Criteria: CeGaT Center For Human Genetics Tuebingen Variant Classification Criteria Version 2. Collection method: clinical testing. Allele origin: germline. Affected: yes. Observed: 1 variant allele.
Comment: TRAF7: BP4, BS1

PreventionGenetics, part of Exact Sciences
Classification: Likely benign for TRAF7-related condition. Last evaluated: 2022-11-16. Review status: no assertion criteria provided. Collection method: clinical testing. Allele origin: germline. Not counted in ClinVar's aggregate classification.
Comment: This variant is classified as likely benign based on ACMG/AMP sequence variant interpretation guidelines (Richards et al. 2015 PMID: 25741868, with internal and published modifications).